The following is an entry in ClinVar:

ClinVar aggregate classification (germline): Conflicting classifications of pathogenicity. Review status: criteria provided, conflicting classifications (1 of 4 stars). 2 submissions from 2 submitters: Uncertain significance (1); Likely benign (1). Last evaluated 2021-06-05.

Conditions:
Familial thoracic aortic aneurysm and aortic dissection (TAAD). Also called: Thoracic aortic aneurysms and dissections. Identifiers: Orphanet 91387, MedGen C4707243, MONDO:0019625.

Submissions (2):

Ambry Genetics
Classification: Likely benign for Familial thoracic aortic aneurysm and aortic dissection. Last evaluated: 2021-06-05. Review status: criteria provided, single submitter. Criteria: Ambry Variant Classification Scheme 2023. Collection method: clinical testing. Allele origin: germline.

GeneDx
Classification: Uncertain significance. Last evaluated: 2014-04-03. Review status: criteria provided, single submitter. Criteria: GeneDx Variant Classification (06012015). Collection method: clinical testing. Allele origin: germline. Affected: yes.
Comment: Approximately 4% of patients with autosomal dominant Ehlers-Danlos syndrome, classic type, have been reported to have a mutation in the COL5A2 gene (Malfait F et al., 2011). TAAD is a genetically heterogeneous disorder characterized by aortic dilatation, aneurysms, dissections and/or aneurysms of other major arteries. It is estimated that this panel would detect a disease-causing mutation in approximately 20% of individuals with familial TAAD (Milewicz D et al., 2012). p.Ala352Ala (GCT>GCG): c.1056 T>G in exon 16 of the COL5A2 gene (NM_000393.3)A variant of unknown significance has been identified in the COL5A2 gene. The c.1056 T>G (A352A) variant has not been published as a mutation or as a benign polymorphism to our knowledge. The c.1056 T>G variant was not observed in approximately 6,500 individuals of European and African American ancestry in the NHLBI Exome Sequencing Project, indicating it is not a common benign variant in these populations. The c.1056 T>G variant results in a synonymous change of residue A325, which creates a cryptic splice donor site upstream in exon 16 of the COL5A2 gene. Multiple splice site mutations have been reported in association with Ehlers-Danlos syndrome. However, in silico analysis with three different splice algorithms predicts that this variant does not disrupt the natural splice donor site, therefore it is unclear if this variant leads to abnormal gene splicing.In summary, based on the currently available information, it is unclear whether this variant is a pathogenic mutation or a rare benign variant. This variant was found in TAAD.

NM_000393.5(COL5A2):c.1056T>G (p.Ala352=)

Gene: COL5A2 (collagen type V alpha 2 chain; minus strand). Cytogenetic location: 2q32.2.
Variant type: single nucleotide variant.
Coding change: c.1056T>G on transcript NM_000393.5 (MANE Select); coding-DNA position 1056, T replaced by G.
Protein change: p.Ala352=; no amino-acid change (alanine 352 retained).
Molecular consequence: synonymous variant.
Genome position (GRCh38, 1-based): chr2:189,078,519, A>C on the plus strand (T>G on the coding strand, the complement: COL5A2 is on the minus strand). VCF-style: chr2-189078519-A-C. GRCh37 (hg19) VCF-style: chr2-189943245-A-C.
Other names: p.A352A:GCT>GCG.
Identifiers: ClinVar variation 213093 (VCV000213093.4), dbSNP rs863223488, ClinGen allele CA322069.